The following is an entry in ClinVar:

NM_005732.4(RAD50):c.3817T>A (p.Phe1273Ile)

Genes: TH2LCRR (T helper type 2 locus control region associated RNA; minus strand), RAD50 (RAD50 double strand break repair protein; plus strand). Cytogenetic location: 5q31.1.
Variant type: single nucleotide variant.
Coding change: c.3817T>A on transcript NM_005732.4 (MANE Select); coding-DNA position 3817, T replaced by A.
Protein change: p.Phe1273Ile; replaces phenylalanine 1273 with isoleucine.
Molecular consequence: missense variant. On other transcripts: non-coding transcript variant (1).
Genome position (GRCh38, 1-based): chr5:132,642,242, T>A. VCF-style: chr5-132642242-T-A. GRCh37 (hg19) VCF-style: chr5-131977934-T-A.
Other names: short protein forms F1273I.
Identifiers: ClinVar variation 4826868 (VCV004826868.1).

ClinVar aggregate classification (germline): Uncertain significance (1 of 4 stars; one submission).

Conditions:
Hereditary cancer-predisposing syndrome. Also called: Neoplastic Syndromes, Hereditary; Tumor predisposition; Hereditary Cancer Syndrome; Hereditary neoplastic syndrome. Identifiers: Orphanet 140162, MedGen C0027672, MeSH D009386, MONDO:0015356.

Submission:

Ambry Genetics
Classification: Uncertain significance for Hereditary cancer-predisposing syndrome. Last evaluated: 2026-03-12. Review status: criteria provided, single submitter. Criteria: Ambry Variant Classification Scheme 2023. Collection method: clinical testing. Allele origin: germline.
Comment: The p.F1273I variant (also known as c.3817T>A), located in coding exon 25 of the RAD50 gene, results from a T to A substitution at nucleotide position 3817. The phenylalanine at codon 1273 is replaced by isoleucine, an amino acid with highly similar properties. This amino acid position is conserved. In addition, this alteration is predicted to be deleterious by in silico analysis. Based on the available evidence, the clinical significance of this variant remains unclear.